The following is an entry in ClinVar:

NM_000059.4(BRCA2):c.7612A>T (p.Lys2538Ter)

Gene: BRCA2 (BRCA2 DNA repair associated; plus strand). Cytogenetic location: 13q13.1.
Variant type: single nucleotide variant.
Coding change: c.7612A>T on transcript NM_000059.4 (MANE Select); coding-DNA position 7612, A replaced by T.
Protein change: p.Lys2538Ter; replaces lysine 2538 with a stop codon.
Molecular consequence: nonsense.
Genome position (GRCh38, 1-based): chr13:32,356,604, A>T. VCF-style: chr13-32356604-A-T. GRCh37 (hg19) VCF-style: chr13-32930741-A-T.
Other names: 7840A>T; short protein forms K2538*.
Identifiers: ClinVar variation 52361 (VCV000052361.11), dbSNP rs397507921, ClinGen allele CA025180.

ClinVar aggregate classification (germline): Pathogenic. Review status: reviewed by expert panel (3 of 4 stars). 3 submissions from 3 submitters: Pathogenic (1). 2 of the submissions do not count toward it. Last evaluated 2016-10-18.

Conditions:
Hereditary breast ovarian cancer syndrome. Also called: Hereditary breast and ovarian cancer syndrome; Hereditary breast and ovarian cancer; Hereditary breast and ovarian cancer syndrome (HBOC); Breast and ovarian cancer; Hereditary breast and/or ovarian cancer syndrome; BRCA1- and BRCA2-Associated Hereditary Breast and Ovarian Cancer. Identifiers: Orphanet 145, MedGen C0677776, MeSH D061325, MONDO:0003582. Disease mechanism: loss of function.
Breast-ovarian cancer, familial, susceptibility to, 2 (BROVCA2). Also called: BRCA2 Hereditary Breast and Ovarian Cancer. Identifiers: Orphanet 145, MedGen C2675520, MONDO:0012933, OMIM 612555. Disease mechanism: loss of function.

Submissions (3):

Evidence-based Network for the Interpretation of Germline Mutant Alleles (ENIGMA)
Classification: Pathogenic for Breast-ovarian cancer, familial, susceptibility to, 2. Last evaluated: 2016-10-18. Review status: reviewed by expert panel. Criteria: ENIGMA BRCA1/2 Classification Criteria (2015). Collection method: curation. Allele origin: germline.
Comment: Variant allele predicted to encode a truncated non-functional protein.

Labcorp Genetics (formerly Invitae), Labcorp
Classification: Pathogenic for Hereditary breast ovarian cancer syndrome. Last evaluated: 2021-11-26. Review status: criteria provided, single submitter. Criteria: Invitae Variant Classification Sherloc (09022015). Collection method: clinical testing. Allele origin: germline. Not counted in ClinVar's aggregate classification.
Comment: This sequence change creates a premature translational stop signal (p.Lys2538*) in the BRCA2 gene. It is expected to result in an absent or disrupted protein product. Loss-of-function variants in BRCA2 are known to be pathogenic (PMID: 20104584). For these reasons, this variant has been classified as Pathogenic. ClinVar contains an entry for this variant (Variation ID: 52361). This premature translational stop signal has been observed in individual(s) with personal and/or family history of breast and/or ovarian cancer (PMID: 21120943, 29446198). This variant is not present in population databases (gnomAD no frequency).

Consortium of Investigators of Modifiers of BRCA1/2 (CIMBA), c/o University of Cambridge
Classification: Pathogenic for Breast-ovarian cancer, familial, susceptibility to, 2. Last evaluated: 2015-10-02. Review status: criteria provided, single submitter. Criteria: CIMBA Mutation Classification guidelines May 2016. Collection method: clinical testing. Allele origin: germline. Not counted in ClinVar's aggregate classification.

Literature cited by the submitters: PubMed 20104584 (cited by Labcorp Genetics (formerly Invitae), Labcorp); PubMed 21120943 (cited by Labcorp Genetics (formerly Invitae), Labcorp); PubMed 29446198 (cited by Labcorp Genetics (formerly Invitae), Labcorp).